The following is an entry in ClinVar:

NM_000551.4(VHL):c.464-10G>A

Genes: VHL (von Hippel-Lindau tumor suppressor; plus strand), LOC107303340 (3p25 von Hippel-Lindau tumor suppressor, E3 ubiquitin protein ligase Alu-mediated recombination region; plus strand). Cytogenetic location: 3p25.3.
Variant type: single nucleotide variant.
Coding change: c.464-10G>A on transcript NM_000551.4 (MANE Select); 10 bases into the intron before coding-DNA position 464, G replaced by A.
Molecular consequence: intron variant.
Genome position (GRCh38, 1-based): chr3:10,149,777, G>A. VCF-style: chr3-10149777-G-A. GRCh37 (hg19) VCF-style: chr3-10191461-G-A.
Other names: c.*18-10G>A (NM_001354723.2); c.341-10G>A (NM_198156.3).
Identifiers: ClinVar variation 456589 (VCV000456589.22), dbSNP rs552930903, ClinGen allele CA041194.
Genomic context (GRCh38, chr3:10,149,777, plus strand): 5'-AAAGCCTCTTGTTCGTTCCTTGTACTGAGACCCTAGTCTGCCACTGAGGATTTGGTTTTT[G>A]CCCTTCCAGTGTATACTCTGAAAGAGCGATGCCTCCAGGTTGTCCGGAGCCTAGTCAAGC-3'

ClinVar aggregate classification (germline): Benign/Likely benign. Review status: criteria provided, multiple submitters, no conflicts (2 of 4 stars). 7 submissions from 7 submitters: Benign (2); Likely benign (4). 1 of the submissions does not count toward it. Last evaluated 2026-01-12.

Conditions:
VHL-related disorder. Also called: VHL-related condition.
Chuvash polycythemia. Also called: POLYCYTHEMIA, VHL-DEPENDENT. Identifiers: Orphanet 238557, MedGen C1837915, MONDO:0009892, OMIM 263400.
Von Hippel-Lindau syndrome (VHLS). Also called: Von Hippel-Lindau; von Hippel–Lindau syndrome; VHL syndrome. Identifiers: Orphanet 892, MedGen C0019562, MONDO:0008667, OMIM 193300. Disease mechanism: loss of function.

Allele frequency attached by ClinVar (database versions not stated): ExAC 0.00002; gnomAD exomes 0.00003; gnomAD 0.00005 and 0.00006; TOPMed 0.00005.
gnomAD v4.1: 175 of 1,613,432 alleles (0.011%); highest among the groups gnomAD compares: Non-Finnish European, 0.014%; no homozygotes.

Submissions (7):

Labcorp Genetics (formerly Invitae), Labcorp
Classification: Likely benign for Von Hippel-Lindau syndrome; Chuvash polycythemia. Last evaluated: 2026-01-12. Review status: criteria provided, single submitter. Criteria: Invitae Variant Classification Sherloc (09022015). Collection method: clinical testing. Allele origin: germline.

Myriad Genetics, Inc.
Classification: Benign for Von Hippel-Lindau syndrome. Last evaluated: 2025-06-12. Review status: criteria provided, single submitter. Criteria: Myriad Autosomal Dominant, Autosomal Recessive and X-Linked Classification Criteria (2023). Collection method: clinical testing. Allele origin: unknown.
Comment: This variant is considered benign. This variant is intronic and is not expected to impact mRNA splicing. This variant has been observed at a population frequency that is significantly greater than expected given the associated disease prevalence and penetrance.

Blueprint Genetics
Classification: Likely benign. Last evaluated: 2023-09-14. Review status: criteria provided, single submitter. Criteria: ACMG Guidelines, 2015. Collection method: clinical testing. Allele origin: germline.

Color Diagnostics, LLC DBA Color Health
Classification: Likely benign for Von Hippel-Lindau syndrome. Last evaluated: 2022-03-14. Review status: criteria provided, single submitter. Criteria: ACMG Guidelines, 2015. Collection method: clinical testing. Allele origin: germline.

GeneDx
Classification: Likely benign. Last evaluated: 2020-04-15. Review status: criteria provided, single submitter. Criteria: GeneDx Variant Classification Process June 2021. Collection method: clinical testing. Allele origin: germline. Affected: yes.

Illumina Laboratory Services, Illumina
Classification: Benign for Von Hippel-Lindau syndrome. Last evaluated: 2018-04-06. Review status: criteria provided, single submitter. Criteria: ICSL Variant Classification Criteria 13 December 2019. Collection method: clinical testing. Allele origin: germline.
Comment: This variant was observed in the ICSL laboratory as part of a predisposition screen in an ostensibly healthy population. It had not been previously curated by ICSL or reported in the Human Gene Mutation Database (HGMD: prior to June 1st, 2018), and was therefore a candidate for classification through an automated scoring system. Utilizing variant allele frequency, disease prevalence and penetrance estimates, and inheritance mode, an automated score was calculated to assess if this variant is too frequent to cause the disease. Based on the score and internal cut-off values, a variant classified as benign is not then subjected to further curation. The score for this variant resulted in a classification of benign for this disease.

PreventionGenetics, part of Exact Sciences
Classification: Likely benign for VHL-related condition. Last evaluated: 2019-04-24. Review status: no assertion criteria provided. Collection method: clinical testing. Allele origin: germline. Not counted in ClinVar's aggregate classification.
Comment: This variant is classified as likely benign based on ACMG/AMP sequence variant interpretation guidelines (Richards et al. 2015 PMID: 25741868, with internal and published modifications).